The following is an entry in ClinVar:

NM_000937.5(POLR2A):c.277C>G (p.Pro93Ala)

Gene: POLR2A (RNA polymerase II subunit A; plus strand). Cytogenetic location: 17p13.1.
Variant type: single nucleotide variant.
Coding change: c.277C>G on transcript NM_000937.5 (MANE Select); coding-DNA position 277, C replaced by G.
Protein change: p.Pro93Ala; replaces proline 93 with alanine.
Molecular consequence: missense variant.
Genome position (GRCh38, 1-based): chr17:7,496,260, C>G. VCF-style: chr17-7496260-C-G. GRCh37 (hg19) VCF-style: chr17-7399579-C-G.
Other names: short protein forms P93A.
Identifiers: ClinVar variation 4057151 (VCV004057151.1).
Genomic context (GRCh38, chr17:7,496,260, plus strand): 5'-TGTCCCACAGGAAACATGACAGAGTGTCCTGGCCACTTTGGCCACATTGAACTGGCCAAG[C>G]CTGTGTTTCACGTGGGCTTCCTGGTGAAGACAATGAAAGTTTTGCGCTGTGTCTGCTTCT-3'
Protein context (NP_000928.1, residues 83-103): GHFGHIELAK[Pro93Ala]VFHVGFLVKT

ClinVar aggregate classification (germline): Uncertain significance (1 of 4 stars; one submission).

Submission:

GeneDx
Classification: Uncertain significance. Last evaluated: 2025-01-10. Review status: criteria provided, single submitter. Criteria: GeneDx Variant Classification Process June 2021. Collection method: clinical testing. Allele origin: germline. Affected: yes.
Comment: Not observed at significant frequency in large population cohorts (gnomAD); In silico analysis supports that this missense variant has a deleterious effect on protein structure/function; Has not been previously published as pathogenic or benign to our knowledge